The following is an entry in ClinVar:

NM_001378609.3(OTOGL):c.1688C>G (p.Pro563Arg)

Gene: OTOGL (otogelin like; plus strand). Cytogenetic location: 12q21.31.
Variant type: single nucleotide variant.
Coding change: c.1688C>G on transcript NM_001378609.3 (MANE Select); coding-DNA position 1688, C replaced by G.
Protein change: p.Pro563Arg; replaces proline 563 with arginine.
Molecular consequence: missense variant.
Genome position (GRCh38, 1-based): chr12:80,256,437, C>G. VCF-style: chr12-80256437-C-G. GRCh37 (hg19) VCF-style: chr12-80650217-C-G.
Other names: c.1688C>G, p.Pro563Arg (NM_001368062.3, NM_001378610.3, NM_173591.7); short protein forms P563R.
Identifiers: ClinVar variation 5017791 (VCV005017791.1).

ClinVar aggregate classification (germline): Uncertain significance (1 of 4 stars; one submission).

gnomAD v4.1: 2 of 1,584,390 alleles (0.00013%); highest among the groups gnomAD compares: Non-Finnish European, 0.00017%; no homozygotes.

Submission:

GeneDx
Classification: Uncertain significance. Last evaluated: 2026-04-10. Review status: criteria provided, single submitter. Criteria: GeneDx Variant Classification Process June 2021. Collection method: clinical testing. Allele origin: germline.
Comment: Not observed at significant frequency in large population cohorts (gnomAD); In silico analysis supports that this missense variant has a deleterious effect on protein structure/function; Has not been previously published as pathogenic or benign to our knowledge